The following is an entry in ClinVar:

ClinVar aggregate classification (germline): Uncertain significance. Review status: criteria provided, multiple submitters, no conflicts (2 of 4 stars). 3 submissions from 3 submitters: Uncertain significance (3). Last evaluated 2026-06-04.

Conditions:
Inborn genetic diseases. Identifiers: MedGen C0950123, MeSH D030342.
Episodic ataxia type 2 (EA2). Also called: EPISODIC ATAXIA, NYSTAGMUS-ASSOCIATED; ATAXIA, EPISODIC, WITH NYSTAGMUS; ATAXIA, FAMILIAL PAROXYSMAL; CEREBELLAR ATAXIA, PAROXYSMAL, ACETAZOLAMIDE-RESPONSIVE; CEREBELLOPATHY, HEREDITARY PAROXYSMAL; ACETAZOLAMIDE-RESPONSIVE HEREDITARY PAROXYSMAL CEREBELLAR ATAXIA. Identifiers: Orphanet 97, MedGen C1720416, MONDO:0007163, OMIM 108500.
Developmental and epileptic encephalopathy, 42 (DEE42A). Also called: Epileptic encephalopathy, early infantile, 42; DEVELOPMENTAL AND EPILEPTIC ENCEPHALOPATHY 42A; EPILEPTIC ENCEPHALOPATHY, EARLY INFANTILE, 42A. Identifiers: MedGen C4310716, MONDO:0014917, OMIM 617106.

Allele frequency attached by ClinVar (database versions not stated): gnomAD exomes 0.00001.
gnomAD v4.1: 6 of 1,510,584 alleles (0.0004%); highest among the groups gnomAD compares: Non-Finnish European, 0.00053%; no homozygotes.

Submissions (3):

Ambry Genetics
Classification: Uncertain significance for Inborn genetic diseases. Last evaluated: 2026-06-04. Review status: criteria provided, single submitter. Criteria: Ambry Variant Classification Scheme 2023. Collection method: clinical testing. Allele origin: germline.

Labcorp Genetics (formerly Invitae), Labcorp
Classification: Uncertain significance for Developmental and epileptic encephalopathy, 42; Episodic ataxia type 2. Last evaluated: 2025-06-09. Review status: criteria provided, single submitter. Criteria: Invitae Variant Classification Sherloc (09022015). Collection method: clinical testing. Allele origin: germline.
Comment: This sequence change replaces histidine, which is basic and polar, with proline, which is neutral and non-polar, at codon 962 of the CACNA1A protein (p.His962Pro). This variant is present in population databases (no rsID available, gnomAD 0.002%). This variant has not been reported in the literature in individuals affected with CACNA1A-related conditions. ClinVar contains an entry for this variant (Variation ID: 804601). Invitae Evidence Modeling of protein sequence and biophysical properties (such as structural, functional, and spatial information, amino acid conservation, physicochemical variation, residue mobility, and thermodynamic stability) indicates that this missense variant is not expected to disrupt CACNA1A protein function with a negative predictive value of 95%. In summary, the available evidence is currently insufficient to determine the role of this variant in disease. Therefore, it has been classified as a Variant of Uncertain Significance.

Athena Diagnostics
Classification: Uncertain significance. Last evaluated: 2019-07-18. Review status: criteria provided, single submitter. Criteria: Athena Diagnostics Criteria. Collection method: clinical testing. Allele origin: germline.

NM_001127222.2(CACNA1A):c.2882A>C (p.His961Pro)

Gene: CACNA1A (calcium voltage-gated channel subunit alpha1 A; minus strand). Cytogenetic location: 19p13.13.
Variant type: single nucleotide variant.
Coding change: c.2882A>C on transcript NM_001127222.2 (MANE Select); coding-DNA position 2882, A replaced by C.
Protein change: p.His961Pro; replaces histidine 961 with proline.
Molecular consequence: missense variant.
Genome position (GRCh38, 1-based): chr19:13,298,751, T>G on the plus strand (A>C on the coding strand, the complement: CACNA1A is on the minus strand). VCF-style: chr19-13298751-T-G. GRCh37 (hg19) VCF-style: chr19-13409565-T-G.
Other names: c.2894A>C, p.His965Pro (NM_000068.4, NM_023035.3); c.2885A>C, p.His962Pro (NM_001127221.2, NM_001174080.2); short protein forms H961P, H965P, H962P.
Identifiers: ClinVar variation 804601 (VCV000804601.12), dbSNP rs1316264115, ClinGen allele CA404342528.